The following is an entry in ClinVar:

ClinVar aggregate classification (germline): Uncertain significance. Review status: criteria provided, multiple submitters, no conflicts (2 of 4 stars). 2 submissions from 2 submitters: Uncertain significance (2). Last evaluated 2024-05-01.

Conditions:
Hereditary angioedema type 1 (HAE1). Identifiers: Orphanet 100050, Orphanet 100051, Orphanet 91378, MedGen C2717906, MONDO:0015053, OMIM 106100.
C1 inhibitor deficiency. Identifiers: MedGen C1852700, MONDO:0007361, OMIM 120790.

Allele frequency attached by ClinVar (database versions not stated): gnomAD exomes below 0.00001.
gnomAD v4.1: 1 of 1,614,192 alleles (0.000062%); no homozygotes.

Submissions (2):

Fulgent Genetics
Classification: Uncertain significance for Hereditary angioedema type 1; C1 inhibitor deficiency. Last evaluated: 2024-05-01. Review status: criteria provided, single submitter. Criteria: ACMG Guidelines, 2015. Collection method: clinical testing. Allele origin: germline.

Labcorp Genetics (formerly Invitae), Labcorp
Classification: Uncertain significance. Last evaluated: 2023-11-17. Review status: criteria provided, single submitter. Criteria: Invitae Variant Classification Sherloc (09022015). Collection method: clinical testing. Allele origin: germline.
Comment: This sequence change replaces leucine, which is neutral and non-polar, with proline, which is neutral and non-polar, at codon 295 of the SERPING1 protein (p.Leu295Pro). This variant is not present in population databases (gnomAD no frequency). This variant has not been reported in the literature in individuals affected with SERPING1-related conditions. Advanced modeling of protein sequence and biophysical properties (such as structural, functional, and spatial information, amino acid conservation, physicochemical variation, residue mobility, and thermodynamic stability) performed at Invitae indicates that this missense variant is expected to disrupt SERPING1 protein function with a positive predictive value of 95%. In summary, the available evidence is currently insufficient to determine the role of this variant in disease. Therefore, it has been classified as a Variant of Uncertain Significance.

NM_000062.3(SERPING1):c.884T>C (p.Leu295Pro)

Gene: SERPING1 (serpin family G member 1; plus strand). Cytogenetic location: 11q12.1.
Variant type: single nucleotide variant.
Coding change: c.884T>C on transcript NM_000062.3 (MANE Select); coding-DNA position 884, T replaced by C.
Protein change: p.Leu295Pro; replaces leucine 295 with proline.
Molecular consequence: missense variant.
Genome position (GRCh38, 1-based): chr11:57,606,208, T>C. VCF-style: chr11-57606208-T-C. GRCh37 (hg19) VCF-style: chr11-57373681-T-C.
Other names: c.884T>C, p.Leu295Pro (NM_001032295.2); short protein forms L295P.
Identifiers: ClinVar variation 2696776 (VCV002696776.4), dbSNP rs2495441308, ClinGen allele CA380699803.